The following is an entry in ClinVar:

ClinVar aggregate classification (germline): Uncertain significance (1 of 4 stars; one submission).

gnomAD v4.1: 1 of 1,607,156 alleles (0.000062%); highest among the groups gnomAD compares: African/African-American, 0.0013%; no homozygotes.

Submission:

Labcorp Genetics (formerly Invitae), Labcorp
Classification: Uncertain significance. Last evaluated: 2025-07-31. Review status: criteria provided, single submitter. Criteria: Invitae Variant Classification Sherloc (09022015). Collection method: clinical testing. Allele origin: germline.
Comment: This sequence change replaces glycine, which is neutral and non-polar, with tryptophan, which is neutral and slightly polar, at codon 1135 of the TUBGCP6 protein (p.Gly1135Trp). This variant is present in population databases (no rsID available, gnomAD 0.007%). This variant has not been reported in the literature in individuals affected with TUBGCP6-related conditions. ClinVar contains an entry for this variant (Variation ID: 1485256). Experimental studies and prediction algorithms are not available or were not evaluated, and the functional significance of this variant is currently unknown. In summary, the available evidence is currently insufficient to determine the role of this variant in disease. Therefore, it has been classified as a Variant of Uncertain Significance.

NM_020461.4(TUBGCP6):c.3403G>T (p.Gly1135Trp)

Gene: TUBGCP6 (tubulin gamma complex component 6; minus strand). Cytogenetic location: 22q13.33.
Variant type: single nucleotide variant.
Coding change: c.3403G>T on transcript NM_020461.4 (MANE Select); coding-DNA position 3403, G replaced by T.
Protein change: p.Gly1135Trp; replaces glycine 1135 with tryptophan.
Molecular consequence: missense variant.
Genome position (GRCh38, 1-based): chr22:50,220,956, C>A on the plus strand (G>T on the coding strand, the complement: TUBGCP6 is on the minus strand). VCF-style: chr22-50220956-C-A. GRCh37 (hg19) VCF-style: chr22-50659385-C-A.
Other names: short protein forms G1135W.
Identifiers: ClinVar variation 1485256 (VCV001485256.6), dbSNP rs202082129, ClinGen allele CA412182718.